The following is an entry in ClinVar:

NM_004924.6(ACTN4):c.763A>G (p.Lys255Glu)

Gene: ACTN4 (actinin alpha 4; plus strand). Cytogenetic location: 19q13.2.
Variant type: single nucleotide variant.
Coding change: c.763A>G on transcript NM_004924.6 (MANE Select); coding-DNA position 763, A replaced by G.
Protein change: p.Lys255Glu; replaces lysine 255 with glutamic acid.
Molecular consequence: missense variant. On other transcripts: intron variant (1).
Genome position (GRCh38, 1-based): chr19:38,710,286, A>G. VCF-style: chr19-38710286-A-G. GRCh37 (hg19) VCF-style: chr19-39200926-A-G.
Other names: K228E; c.733+810A>G (NM_001322033.2); short protein forms K255E.
Identifiers: ClinVar variation 5420 (VCV000005420.10), dbSNP rs121908415, ClinGen allele CA117532.

ClinVar aggregate classification (germline): Pathogenic. Review status: criteria provided, multiple submitters, no conflicts (2 of 4 stars). 3 submissions from 3 submitters: Pathogenic (2). 1 of the submissions does not count toward it. Last evaluated 2024-03-22.

Conditions:
Focal segmental glomerulosclerosis 1 (FSGS1). Identifiers: Orphanet 656, MedGen C4551527, MONDO:0011303, OMIM 603278.

Allele frequency attached by ClinVar (database versions not stated): TOPMed below 0.00001; gnomAD 0.00001.
gnomAD v4.1: 1 of 1,613,968 alleles (0.000062%); highest among the groups gnomAD compares: Non-Finnish European, 0.000085%; no homozygotes.

Submissions (3):

Fulgent Genetics
Classification: Pathogenic for Focal segmental glomerulosclerosis 1. Last evaluated: 2024-03-22. Review status: criteria provided, single submitter. Criteria: ACMG Guidelines, 2015. Collection method: clinical testing. Allele origin: germline.

Labcorp Genetics (formerly Invitae), Labcorp
Classification: Pathogenic. Last evaluated: 2020-03-23. Review status: criteria provided, single submitter. Criteria: Invitae Variant Classification Sherloc (09022015). Collection method: clinical testing. Allele origin: germline.
Comment: This sequence change replaces lysine with glutamic acid at codon 255 of the ACTN4 protein (p.Lys255Glu). The lysine residue is highly conserved and there is a small physicochemical difference between lysine and glutamic acid. This variant is not present in population databases (ExAC no frequency). This variant has been observed in individual(s) with focal segmental glomerulosclerosis (PMID: 10700177). It has also been observed to segregate with disease in related individuals. This variant is also known as p.Lys228Glu in the literature. ClinVar contains an entry for this variant (Variation ID: 5420). This variant has been reported to affect ACTN4 protein function (PMID: 10700177, 22351778). For these reasons, this variant has been classified as Pathogenic.

OMIM
Classification: Pathogenic for FOCAL SEGMENTAL GLOMERULOSCLEROSIS 1. Last evaluated: 2000-03-01. Review status: no assertion criteria provided. Collection method: literature only. Allele origin: germline. Not counted in ClinVar's aggregate classification.

Literature cited by the submitters: PubMed 10700177 (cited by Labcorp Genetics (formerly Invitae), Labcorp and OMIM); PubMed 22351778 (cited by Labcorp Genetics (formerly Invitae), Labcorp).